The following is an entry in ClinVar:

NM_001165963.4(SCN1A):c.4515_4516del (p.Lys1506fs)

Genes: SCN1A (sodium voltage-gated channel alpha subunit 1; minus strand), LOC102724058 (uncharacterized LOC102724058; plus strand). Cytogenetic location: 2q24.3.
Variant type: Deletion.
Coding change: c.4515_4516del on transcript NM_001165963.4 (MANE Select); coding-DNA positions 4515 to 4516, 2 bases deleted (GA; older notation c.4515_4516delGA).
Protein change: p.Lys1506fs; shifts the reading frame from lysine 1506.
Molecular consequence: frameshift variant. On other transcripts: non-coding transcript variant (1).
Genome position (GRCh38, 1-based): chr2:165,996,078-165,996,079, TC deleted on the plus strand (GA on the coding strand, the reverse complement: SCN1A is on the minus strand); deleting any 2 consecutive bases within chr2:165,996,078-165,996,080 gives the same sequence; the c. name uses the placement nearest the transcript's 3' end. VCF-style (leftmost placement, unchanged base first): chr2-165996077-TTC-T. GRCh37 (hg19) VCF-style: chr2-166852587-TTC-T.
Other names: c.4431_4432del, p.Lys1478fs (NM_001165964.3, NM_001353957.2, NM_001353958.2); c.4515_4516del, p.Lys1506fs (NM_001202435.3, NM_001353948.2); c.4482_4483del, p.Lys1495fs (NM_001353949.2, NM_001353950.2, NM_001353951.2 and 2 more transcripts); c.4479_4480del, p.Lys1494fs (NM_001353954.2, NM_001353955.2); c.4428_4429del, p.Lys1477fs (NM_001353960.2); c.2073_2074del, p.Lys692fs (NM_001353961.2); short protein forms K1477fs, K1478fs, K1494fs, K1495fs, K1506fs, K692fs.
Identifiers: ClinVar variation 1074821 (VCV001074821.8), dbSNP rs2105462303, ClinGen allele CA2499215185.

ClinVar aggregate classification (germline): Pathogenic (1 of 4 stars; one submission).

Conditions:
Early-infantile DEE. Also called: Ohtahara syndrome; Early infantile epileptic encephalopathy with suppression bursts; Early infantile epileptic encephalopathy. Identifiers: Orphanet 1934, MedGen C0393706, MONDO:0800491.

Submission:

Labcorp Genetics (formerly Invitae), Labcorp
Classification: Pathogenic for Early-infantile DEE. Last evaluated: 2024-02-24. Review status: criteria provided, single submitter. Criteria: Invitae Variant Classification Sherloc (09022015). Collection method: clinical testing. Allele origin: germline.
Comment: This sequence change creates a premature translational stop signal (p.Lys1506Ilefs*3) in the SCN1A gene. It is expected to result in an absent or disrupted protein product. Loss-of-function variants in SCN1A are known to be pathogenic (PMID: 17347258, 18930999). This variant is not present in population databases (gnomAD no frequency). This premature translational stop signal has been observed in individual(s) with epilepsy (PMID: 31440721). ClinVar contains an entry for this variant (Variation ID: 1074821). Algorithms developed to predict the effect of sequence changes on RNA splicing suggest that this variant may disrupt the consensus splice site. For these reasons, this variant has been classified as Pathogenic.

Literature cited by the submitters: PubMed 17347258; PubMed 18930999; PubMed 31440721.